The following is an entry in ClinVar:

NM_001267550.2(TTN):c.94805del (p.Pro31602fs)

Genes: TTN (titin; minus strand), TTN-AS1 (TTN antisense RNA 1; plus strand). Cytogenetic location: 2q31.2.
Variant type: Deletion.
Coding change: c.94805del on transcript NM_001267550.2 (MANE Select); coding-DNA position 94805, one base deleted (C; older notation c.94805delC).
Protein change: p.Pro31602fs; shifts the reading frame from proline 31602.
Molecular consequence: frameshift variant.
Genome position (GRCh38, 1-based): chr2:178,546,623, G deleted on the plus strand (C on the coding strand, the reverse complement: TTN is on the minus strand); the first of 3 consecutive G bases (chr2:178,546,623-178,546,625); deleting any one gives the same sequence. VCF-style (leftmost placement, unchanged base first): chr2-178546622-AG-A. GRCh37 (hg19) VCF-style: chr2-179411349-AG-A.
Other names: c.89882del, p.Pro29961fs (NM_001256850.1); c.67610del, p.Pro22537fs (NM_003319.4); c.87101del, p.Pro29034fs (NM_133378.4); c.67985del, p.Pro22662fs (NM_133432.3); c.68186del, p.Pro22729fs (NM_133437.4); short protein forms P22537fs, P22662fs, P22729fs, P29034fs, P29961fs, P31602fs.
Identifiers: ClinVar variation 3755094 (VCV003755094.2).
Genomic context (GRCh38, chr2:178,546,622, plus strand): 5'-AGATAATTTTAAAAAGGAGAATGTTGACTATTTCCTACCGTATTCATCTCGGCAAGTGAC[AG>A]GGCCTGTAGATTCAGACCCTTTGCTAATTACGCCTGCTGCATTCTTGGCTAACACACGGA-3'

ClinVar aggregate classification (germline): Likely pathogenic (1 of 4 stars; one submission).

Conditions:
Dilated cardiomyopathy 1G (CMD1G). Identifiers: Orphanet 154, MedGen C1858763, MONDO:0011400, OMIM 604145.
Autosomal recessive limb-girdle muscular dystrophy type 2J (LGMDR10). Also called: Limb-girdle muscular dystrophy, type 2J; MUSCULAR DYSTROPHY, LIMB-GIRDLE, AUTOSOMAL RECESSIVE 10. Identifiers: Orphanet 140922, MedGen C1837342, MONDO:0012127, OMIM 608807.

Submission:

Labcorp Genetics (formerly Invitae), Labcorp
Classification: Likely pathogenic for Dilated cardiomyopathy 1G; Autosomal recessive limb-girdle muscular dystrophy type 2J. Last evaluated: 2024-03-04. Review status: criteria provided, single submitter. Criteria: Invitae Variant Classification Sherloc (09022015). Collection method: clinical testing. Allele origin: germline.
Comment: This sequence change creates a premature translational stop signal (p.Pro31602Leufs*55) in the TTN gene. While this is not anticipated to result in nonsense mediated decay, it is expected to create a truncated TTN protein. This variant is not present in population databases (gnomAD no frequency). This variant has not been reported in the literature in individuals affected with TTN-related conditions. This variant is located in the A band of TTN (PMID: 25589632). Truncating variants in this region are significantly overrepresented in patients affected with dilated cardiomyopathy (PMID: 25589632). Truncating variants in this region have also been reported in individuals affected with autosomal recessive centronuclear myopathy (PMID: 23975875). In summary, the currently available evidence indicates that the variant is pathogenic, but additional data are needed to prove that conclusively. Therefore, this variant has been classified as Likely Pathogenic.

Literature cited by the submitters: PubMed 25589632; PubMed 23975875.